The following is an entry in ClinVar:

NM_006017.3(PROM1):c.2284A>G (p.Ser762Gly)

Gene: PROM1 (prominin 1; minus strand). Cytogenetic location: 4p15.32.
Variant type: single nucleotide variant.
Coding change: c.2284A>G on transcript NM_006017.3 (MANE Select); coding-DNA position 2284, A replaced by G.
Protein change: p.Ser762Gly; replaces serine 762 with glycine.
Molecular consequence: missense variant.
Genome position (GRCh38, 1-based): chr4:15,984,352, T>C on the plus strand (A>G on the coding strand, the complement: PROM1 is on the minus strand). VCF-style: chr4-15984352-T-C. GRCh37 (hg19) VCF-style: chr4-15985975-T-C.
Other names: c.2257A>G, p.Ser753Gly (NM_001145847.2, NM_001145848.2, NM_001145851.2 and 4 more transcripts); c.2284A>G, p.Ser762Gly (NM_001145849.2, NM_001145850.2); short protein forms S762G, S753G.
Identifiers: ClinVar variation 347979 (VCV000347979.38), dbSNP rs202029748, ClinGen allele CA2866434.

ClinVar aggregate classification (germline): Conflicting classifications of pathogenicity. Review status: criteria provided, conflicting classifications (1 of 4 stars). 9 submissions from 6 submitters: Uncertain significance (2); Benign (1); Likely benign (6). Last evaluated 2026-02-01.

Conditions:
PROM1-related disorder. Also called: PROM1-related condition; PROM1-related disorders.
Retinal macular dystrophy type 2 (MCDR2). Also called: Bull's eye macular dystrophy. Identifiers: Orphanet 319640, MedGen C4749334, MONDO:0011957, OMIM 608051.
Cone-rod dystrophy 12 (CORD12). Identifiers: Orphanet 1872, MedGen C2675210, MONDO:0012983, OMIM 612657.
Stargardt disease 4 (STGD4). Identifiers: Orphanet 827, MedGen C1863534, MONDO:0011370, OMIM 603786.
Retinitis pigmentosa (RP). Identifiers: Orphanet 791, MedGen C0035334, MeSH D012174, MONDO:0019200, OMIM 268000. Inheritance: Autosomal dominant, autosomal recessive and X linked inheritance.

Allele frequency attached by ClinVar (database versions not stated): 1000 Genomes Project 30x 0.00047; ESP Exome Variant Server 0.00049; TOPMed 0.00050; gnomAD 0.00058 and 0.00060; 1000 Genomes Project 0.00060; gnomAD exomes 0.00064; ExAC 0.00097.
gnomAD v4.1: 1,101 of 1,585,758 alleles (0.069%); highest among the groups gnomAD compares: South Asian, 0.2%; 3 homozygotes.

Submissions (9):

CeGaT Center for Human Genetics Tuebingen
Classification: Likely benign. Last evaluated: 2026-02-01. Review status: criteria provided, single submitter. Criteria: CeGaT Center For Human Genetics Tuebingen Variant Classification Criteria Version 2. Collection method: clinical testing. Allele origin: germline. Affected: yes. Observed: 2 variant alleles.
Comment: PROM1: BP4

Labcorp Genetics (formerly Invitae), Labcorp
Classification: Likely benign. Last evaluated: 2025-11-24. Review status: criteria provided, single submitter. Criteria: Invitae Variant Classification Sherloc (09022015). Collection method: clinical testing. Allele origin: germline.

Blueprint Genetics
Classification: Likely benign. Last evaluated: 2024-11-22. Review status: criteria provided, single submitter. Criteria: ACMG Guidelines, 2015. Collection method: clinical testing. Allele origin: germline.

PreventionGenetics, part of Exact Sciences
Classification: Likely benign for PROM1-related condition. Last evaluated: 2024-11-04. Review status: criteria provided, single submitter. Criteria: ACMG Guidelines, 2015. Collection method: clinical testing. Allele origin: germline.
Comment: This variant is classified as likely benign based on ACMG/AMP sequence variant interpretation guidelines (Richards et al. 2015 PMID: 25741868, with internal and published modifications).

GeneDx
Classification: Likely benign. Last evaluated: 2018-06-18. Review status: criteria provided, single submitter. Criteria: GeneDx Variant Classification (06012015). Collection method: clinical testing. Allele origin: germline. Affected: yes.
Comment: This variant is considered likely benign or benign based on one or more of the following criteria: it is a conservative change, it occurs at a poorly conserved position in the protein, it is predicted to be benign by multiple in silico algorithms, and/or has population frequency not consistent with disease.

Illumina Laboratory Services, Illumina
Classification: Likely benign for Stargardt disease 4. Last evaluated: 2018-01-13. Review status: criteria provided, single submitter. Criteria: ICSL Variant Classification Criteria 13 December 2019. Collection method: clinical testing. Allele origin: germline.
Comment: This variant was observed in the ICSL laboratory as part of a predisposition screen in an ostensibly healthy population. It had not been previously curated by ICSL or reported in the Human Gene Mutation Database (HGMD: prior to June 1st, 2018), and was therefore a candidate for classification through an automated scoring system. Utilizing variant allele frequency, disease prevalence and penetrance estimates, and inheritance mode, an automated score was calculated to assess if this variant is too frequent to cause the disease. Based on the score and internal cut-off values, a variant classified as likely benign is not then subjected to further curation. The score for this variant resulted in a classification of likely benign for this disease.

Illumina Laboratory Services, Illumina
Classification: Uncertain significance for Retinitis pigmentosa. Last evaluated: 2018-01-13. Review status: criteria provided, single submitter. Criteria: ICSL Variant Classification Criteria 13 December 2019. Collection method: clinical testing. Allele origin: germline.

Illumina Laboratory Services, Illumina
Classification: Uncertain significance for Retinal macular dystrophy type 2. Last evaluated: 2018-01-13. Review status: criteria provided, single submitter. Criteria: ICSL Variant Classification Criteria 13 December 2019. Collection method: clinical testing. Allele origin: germline.

Illumina Laboratory Services, Illumina
Classification: Benign for Cone-rod dystrophy 12. Last evaluated: 2018-01-13. Review status: criteria provided, single submitter. Criteria: ICSL Variant Classification Criteria 13 December 2019. Collection method: clinical testing. Allele origin: germline.
Comment: This variant was observed in the ICSL laboratory as part of a predisposition screen in an ostensibly healthy population. It had not been previously curated by ICSL or reported in the Human Gene Mutation Database (HGMD: prior to June 1st, 2018), and was therefore a candidate for classification through an automated scoring system. Utilizing variant allele frequency, disease prevalence and penetrance estimates, and inheritance mode, an automated score was calculated to assess if this variant is too frequent to cause the disease. Based on the score and internal cut-off values, a variant classified as benign is not then subjected to further curation. The score for this variant resulted in a classification of benign for this disease.